The following is an entry in ClinVar:

NM_000214.3(JAG1):c.3346C>T (p.Arg1116Trp)

Gene: JAG1 (jagged canonical Notch ligand 1; minus strand). Cytogenetic location: 20p12.2.
Variant type: single nucleotide variant.
Coding change: c.3346C>T on transcript NM_000214.3 (MANE Select); coding-DNA position 3346, C replaced by T.
Protein change: p.Arg1116Trp; replaces arginine 1116 with tryptophan.
Molecular consequence: missense variant.
Genome position (GRCh38, 1-based): chr20:10,639,809, G>A on the plus strand (C>T on the coding strand, the complement: JAG1 is on the minus strand). VCF-style: chr20-10639809-G-A. GRCh37 (hg19) VCF-style: chr20-10620457-G-A.
Other names: c.3346C>T, p.Arg1116Trp (LRG_1191t1); short protein forms R1116W.
Identifiers: ClinVar variation 500687 (VCV000500687.18), dbSNP rs377723772, ClinGen allele CA9764218.

ClinVar aggregate classification (germline): Conflicting classifications of pathogenicity. Review status: criteria provided, conflicting classifications (1 of 4 stars). 5 submissions from 5 submitters: Uncertain significance (2); Benign (1); Likely benign (1). 1 of the submissions does not count toward it. Last evaluated 2025-05-22.

Conditions:
Alagille syndrome due to a JAG1 point mutation. Also called: HEPATIC DUCTULAR HYPOPLASIA, SYNDROMATIC; Alagille Syndrome 1; JAG1-Related Alagille Syndrome. Identifiers: Orphanet 261619, Orphanet 52, MedGen C1956125, MONDO:0016862, OMIM 118450.
Tetralogy of Fallot (TOF). Identifiers: Orphanet 3303, MedGen C0039685, MONDO:0008542, OMIM 187500, HP:0001636.
Deafness, congenital heart defects, and posterior embryotoxon (DCHE). Identifiers: MedGen C1866053, MONDO:0060713, OMIM 617992.
Charcot-Marie-Tooth disease, axonal, Type 2HH. Also called: CHARCOT-MARIE-TOOTH NEUROPATHY, TYPE 2HH. Identifiers: MedGen C5562003, MONDO:0030458, OMIM 619574.
Cardiovascular phenotype. Identifiers: MedGen CN230736.
JAG1-related disorder. Also called: JAG1-related disorders; JAG1-related condition.

Allele frequency attached by ClinVar (database versions not stated): ExAC 0.00002; gnomAD exomes 0.00002; ESP Exome Variant Server 0.00008; gnomAD 0.00009 and 0.00011; TOPMed 0.00012.
gnomAD v4.1: 29 of 1,614,044 alleles (0.0018%); highest among the groups gnomAD compares: African/African-American, 0.02%; no homozygotes.

Submissions (5):

Labcorp Genetics (formerly Invitae), Labcorp
Classification: Benign for Alagille syndrome due to a JAG1 point mutation. Last evaluated: 2025-05-22. Review status: criteria provided, single submitter. Criteria: Invitae Variant Classification Sherloc (09022015). Collection method: clinical testing. Allele origin: germline.

Ambry Genetics
Classification: Uncertain significance for Cardiovascular phenotype. Last evaluated: 2024-10-01. Review status: criteria provided, single submitter. Criteria: Ambry Variant Classification Scheme 2023. Collection method: clinical testing. Allele origin: germline.

Fulgent Genetics
Classification: Likely benign for Alagille syndrome due to a JAG1 point mutation; Tetralogy of Fallot; Deafness, congenital heart defects, and posterior embryotoxon; Charcot-Marie-Tooth disease, axonal, Type 2HH. Last evaluated: 2024-03-14. Review status: criteria provided, single submitter. Criteria: ACMG Guidelines, 2015. Collection method: clinical testing. Allele origin: germline.

Eurofins Ntd Llc (ga)
Classification: Uncertain significance. Last evaluated: 2017-03-09. Review status: criteria provided, single submitter. Criteria: EGL Classification Definitions 2015. Collection method: clinical testing. Allele origin: germline. Observed: 1 variant allele, 1 heterozygote.

PreventionGenetics, part of Exact Sciences
Classification: Uncertain significance for JAG1-related condition. Last evaluated: 2024-01-31. Review status: no assertion criteria provided. Collection method: clinical testing. Allele origin: germline. Not counted in ClinVar's aggregate classification.
Comment: The JAG1 c.3346C>T variant is predicted to result in the amino acid substitution p.Arg1116Trp. To our knowledge, this variant has not been reported in the literature. This variant is reported in 0.032% of alleles in individuals of African descent in gnomAD. At this time, the clinical significance of this variant is uncertain due to the absence of conclusive functional and genetic evidence.